The following is an entry in ClinVar:

NM_001009944.3(PKD1):c.1675C>G (p.Pro559Ala)

Gene: PKD1 (polycystin 1, transient receptor potential channel interacting; minus strand). Cytogenetic location: 16p13.3.
Variant type: single nucleotide variant.
Coding change: c.1675C>G on transcript NM_001009944.3 (MANE Select); coding-DNA position 1675, C replaced by G.
Protein change: p.Pro559Ala; replaces proline 559 with alanine.
Molecular consequence: missense variant.
Genome position (GRCh38, 1-based): chr16:2,116,576, G>C on the plus strand (C>G on the coding strand, the complement: PKD1 is on the minus strand). VCF-style: chr16-2116576-G-C. GRCh37 (hg19) VCF-style: chr16-2166577-G-C.
Other names: c.1675C>G, p.Pro559Ala (NM_000296.4); short protein forms P559A.
Identifiers: ClinVar variation 3336394 (VCV003336394.1).

ClinVar aggregate classification (germline): Uncertain significance (1 of 4 stars; one submission).

gnomAD v4.1: 47 of 1,571,092 alleles (0.003%); highest among the groups gnomAD compares: Non-Finnish European, 0.004%; no homozygotes.

Submission:

Women's Health and Genetics/Laboratory Corporation of America, LabCorp
Classification: Uncertain significance. Last evaluated: 2024-05-24. Review status: criteria provided, single submitter. Criteria: LabCorp Variant Classification Summary - May 2015. Collection method: clinical testing. Allele origin: germline.
Comment: Variant summary: PKD1 c.1675C>G (p.Pro559Ala) results in a non-conservative amino acid change located in the Polycystin cation channel domain (IPR006228) of the encoded protein sequence. Four of five in-silico tools predict a benign effect of the variant on protein function. The variant was absent in 188472 control chromosomes (gnomAD). The available data on variant occurrences in the general population are insufficient to allow any conclusion about variant significance. To our knowledge, no occurrence of c.1675C>G in individuals affected with Polycystic Kidney Disease 1 and no experimental evidence demonstrating its impact on protein function have been reported. No submitters have cited clinical-significance assessments for this variant to ClinVar. Based on the evidence outlined above, the variant was classified as uncertain significance.